The following is an entry in ClinVar:

NM_001458.5(FLNC):c.2950C>G (p.Gln984Glu)

Gene: FLNC (filamin C; plus strand). Cytogenetic location: 7q32.1.
Variant type: single nucleotide variant.
Coding change: c.2950C>G on transcript NM_001458.5 (MANE Select); coding-DNA position 2950, C replaced by G.
Protein change: p.Gln984Glu; replaces glutamine 984 with glutamic acid.
Molecular consequence: missense variant.
Genome position (GRCh38, 1-based): chr7:128,844,024, C>G. VCF-style: chr7-128844024-C-G. GRCh37 (hg19) VCF-style: chr7-128484078-C-G.
Other names: c.2950C>G, p.Gln984Glu (NM_001127487.2); short protein forms Q984E.
Identifiers: ClinVar variation 3763103 (VCV003763103.2).

ClinVar aggregate classification (germline): Uncertain significance (1 of 4 stars; one submission).

Conditions:
Hypertrophic cardiomyopathy 26. Also called: Cardiomyopathy, familial hypertrophic, 26. Identifiers: Orphanet 75249, MedGen C4310749, MONDO:0014883, OMIM 617047.
Myofibrillar myopathy 5. Also called: Filaminopathy (type); FILAMINOPATHY, AUTOSOMAL DOMINANT. Identifiers: Orphanet 171445, MedGen C1836050, MONDO:0012289, OMIM 609524.
Distal myopathy with posterior leg and anterior hand involvement. Also called: WILLIAMS DISTAL MYOPATHY. Identifiers: Orphanet 63273, MedGen C3279722, MONDO:0013550, OMIM 614065.

gnomAD v4.1: 2 of 1,614,138 alleles (0.00012%); highest among the groups gnomAD compares: South Asian, 0.0011%; no homozygotes.

Submission:

Labcorp Genetics (formerly Invitae), Labcorp
Classification: Uncertain significance for Distal myopathy with posterior leg and anterior hand involvement; Myofibrillar myopathy 5; Hypertrophic cardiomyopathy 26. Last evaluated: 2025-01-02. Review status: criteria provided, single submitter. Criteria: Invitae Variant Classification Sherloc (09022015). Collection method: clinical testing. Allele origin: germline.
Comment: This sequence change replaces glutamine, which is neutral and polar, with glutamic acid, which is acidic and polar, at codon 984 of the FLNC protein (p.Gln984Glu). This variant is present in population databases (rs769865678, gnomAD 0.003%). This variant has not been reported in the literature in individuals affected with FLNC-related conditions. Invitae Evidence Modeling of protein sequence and biophysical properties (such as structural, functional, and spatial information, amino acid conservation, physicochemical variation, residue mobility, and thermodynamic stability) has been performed for this missense variant. However, the output from this modeling did not meet the statistical confidence thresholds required to predict the impact of this variant on FLNC protein function. In summary, the available evidence is currently insufficient to determine the role of this variant in disease. Therefore, it has been classified as a Variant of Uncertain Significance.